The following is an entry in ClinVar:

NM_015509.4(NECAP1):c.276T>G (p.Phe92Leu)

Gene: NECAP1 (NECAP endocytosis associated 1; plus strand). Cytogenetic location: 12p13.31.
Variant type: single nucleotide variant.
Coding change: c.276T>G on transcript NM_015509.4 (MANE Select); coding-DNA position 276, T replaced by G.
Protein change: p.Phe92Leu; replaces phenylalanine 92 with leucine.
Molecular consequence: missense variant. On other transcripts: non-coding transcript variant (1).
Genome position (GRCh38, 1-based): chr12:8,090,274, T>G. VCF-style: chr12-8090274-T-G. GRCh37 (hg19) VCF-style: chr12-8242870-T-G.
Other names: short protein forms F92L.
Identifiers: ClinVar variation 5005188 (VCV005005188.2).

ClinVar aggregate classification (germline): Uncertain significance (1 of 4 stars; one submission).

Conditions:
Developmental and epileptic encephalopathy, 21 (DEE21). Also called: Early infantile epileptic encephalopathy 21. Identifiers: Orphanet 442835, MedGen C4014430, MONDO:0014360, OMIM 615833.

Submission:

Juno Genomics, Hangzhou Juno Genomics, Inc
Classification: Uncertain significance for Developmental and epileptic encephalopathy, 21. Review status: criteria provided, single submitter. Criteria: ACMG Guidelines, 2015. Collection method: clinical testing. Allele origin: germline.
Comment: Absent from controls (or at extremely low frequency if recessive) in Genome Aggregation Database.;Multiple lines of computational evidence support a deleterious effect on the gene or gene product.